The following is an entry in ClinVar:

ClinVar aggregate classification (germline): Pathogenic. Review status: criteria provided, multiple submitters, no conflicts (2 of 4 stars). 2 submissions from 2 submitters: Pathogenic (2). Last evaluated 2022-02-25.

Conditions:
ERCC4-Related Disorders.
Xeroderma pigmentosum, group F (XPF). Also called: XERODERMA PIGMENTOSUM VI; XP, GROUP F; XERODERMA PIGMENTOSUM, COMPLEMENTATION GROUP F; ERCC4-Related Xeroderma Pigmentosum; XERODERMA PIGMENTOSUM, TYPE F; Xeroderma pigmentosum, type 6. Identifiers: MedGen C0268140, MONDO:0010215, OMIM 278760.
Cockayne syndrome. Identifiers: Orphanet 191, MedGen C0009207, MONDO:0016006.
Fanconi anemia complementation group Q. Identifiers: Orphanet 84, MedGen C3808988, MONDO:0014108, OMIM 615272.

Allele frequency attached by ClinVar (database versions not stated): gnomAD exomes below 0.00001; TOPMed below 0.00001.
gnomAD v4.1: 6 of 1,611,358 alleles (0.00037%); highest among the groups gnomAD compares: Non-Finnish European, 0.00042%; no homozygotes.

Submissions (2):

Blueprint Genetics
Classification: Pathogenic for ERCC4-related disorders. Last evaluated: 2022-02-25. Review status: criteria provided, single submitter. Criteria: ACMG Guidelines, 2015. Collection method: clinical testing. Allele origin: germline. Affected: yes. Observed: 2 variant alleles.

Labcorp Genetics (formerly Invitae), Labcorp
Classification: Pathogenic for Fanconi anemia complementation group Q; Xeroderma pigmentosum, group F; Cockayne syndrome. Last evaluated: 2019-08-15. Review status: criteria provided, single submitter. Criteria: Invitae Variant Classification Sherloc (09022015). Collection method: clinical testing. Allele origin: germline.
Comment: For these reasons, this variant has been classified as Pathogenic. Donor and acceptor splice site variants typically lead to a loss of protein function (PMID: 16199547), and loss-of-function variants in ERCC4 are known to be pathogenic (PMID: 9580660). Experimental studies have shown that this variant disrupts mRNA splicing (PMID: 29325523). This variant has been observed in individual(s) with clinical features of Fanconi anemia and xeroderma pigmentosum (PMID: 29325523). In at least one individual the data is consistent with the variant being in trans (on the opposite chromosome) from a pathogenic variant. This variant is not present in population databases (ExAC no frequency). This sequence change affects an acceptor splice site in intron 4 of the ERCC4 gene. It is expected to disrupt RNA splicing and likely results in an absent or disrupted protein product.

Literature cited by the submitters: PubMed 16199547 (cited by Labcorp Genetics (formerly Invitae), Labcorp); PubMed 9580660 (cited by Labcorp Genetics (formerly Invitae), Labcorp); PubMed 29325523 (cited by Labcorp Genetics (formerly Invitae), Labcorp).

NM_005236.3(ERCC4):c.793-2A>G

Gene: ERCC4 (ERCC excision repair 4, endonuclease catalytic subunit; plus strand). Cytogenetic location: 16p13.12.
Variant type: single nucleotide variant.
Coding change: c.793-2A>G on transcript NM_005236.3 (MANE Select); the canonical splice acceptor site of the intron before coding-DNA position 793, A replaced by G.
Molecular consequence: splice acceptor variant.
Genome position (GRCh38, 1-based): chr16:13,930,708, A>G. VCF-style: chr16-13930708-A-G. GRCh37 (hg19) VCF-style: chr16-14024565-A-G.
Identifiers: ClinVar variation 942911 (VCV000942911.9), dbSNP rs2032155264, ClinGen allele CA394803715.